The following is an entry in ClinVar:

ClinVar aggregate classification (germline): Uncertain significance. Review status: criteria provided, multiple submitters, no conflicts (2 of 4 stars). 5 submissions from 5 submitters: Uncertain significance (5). Last evaluated 2024-12-16.

Conditions:
Usher syndrome type 3B. Also called: USHER SYNDROME, TYPE IIIB. Identifiers: MedGen C3281066, MONDO:0013788, OMIM 614504.

Allele frequency attached by ClinVar (database versions not stated): gnomAD 0.00001 and 0.00005; TOPMed 0.00002; gnomAD exomes 0.00005 and 0.00007; ExAC 0.00007; 1000 Genomes Project 30x 0.00016; 1000 Genomes Project 0.00020.
gnomAD v4.1: 83 of 1,613,902 alleles (0.0051%); highest among the groups gnomAD compares: South Asian, 0.048%; 1 homozygote.

Submissions (5):

Labcorp Genetics (formerly Invitae), Labcorp
Classification: Uncertain significance for Usher syndrome type 3B. Last evaluated: 2024-12-16. Review status: criteria provided, single submitter. Criteria: Invitae Variant Classification Sherloc (09022015). Collection method: clinical testing. Allele origin: germline.
Comment: This sequence change replaces arginine, which is basic and polar, with histidine, which is basic and polar, at codon 86 of the HARS protein (p.Arg86His). This variant is present in population databases (rs555242163, gnomAD 0.05%). This missense change has been observed in individual(s) with Charcot-Marie-Tooth disease (PMID: 34813128). ClinVar contains an entry for this variant (Variation ID: 1163261). Invitae Evidence Modeling of protein sequence and biophysical properties (such as structural, functional, and spatial information, amino acid conservation, physicochemical variation, residue mobility, and thermodynamic stability) has been performed for this missense variant. However, the output from this modeling did not meet the statistical confidence thresholds required to predict the impact of this variant on HARS protein function. In summary, the available evidence is currently insufficient to determine the role of this variant in disease. Therefore, it has been classified as a Variant of Uncertain Significance.

Blueprint Genetics
Classification: Uncertain significance. Last evaluated: 2024-11-18. Review status: criteria provided, single submitter. Criteria: ACMG Guidelines, 2015. Collection method: clinical testing. Allele origin: germline.

GeneDx
Classification: Uncertain significance. Last evaluated: 2024-04-26. Review status: criteria provided, single submitter. Criteria: GeneDx Variant Classification Process June 2021. Collection method: clinical testing. Allele origin: germline. Affected: yes.
Comment: In silico analysis supports that this missense variant has a deleterious effect on protein structure/function; This variant is associated with the following publications: (PMID: 34813128)

Ambry Genetics
Classification: Uncertain significance. Last evaluated: 2021-03-05. Review status: criteria provided, single submitter. Criteria: Ambry Variant Classification Scheme 2023. Collection method: clinical testing. Allele origin: germline.
Comment: The p.R86H variant (also known as c.257G>A), located in coding exon 3 of the HARS gene, results from a G to A substitution at nucleotide position 257. The arginine at codon 86 is replaced by histidine, an amino acid with highly similar properties. This amino acid position is highly conserved in available vertebrate species. In addition, the in silico prediction for this alteration is inconclusive. Based on the supporting evidence, this variant is unlikely to be causative of autosomal dominant Charcot-Marie-Tooth disease, axonal, type 2W; however, its contribution to the development of autosomal recessive cystoplasmic histidyl-tRNA synthetase deficiency is uncertain.

Mayo Clinic Laboratories, Mayo Clinic
Classification: Uncertain significance. Last evaluated: 2020-02-03. Review status: criteria provided, single submitter. Criteria: ACMG Guidelines, 2015. Collection method: clinical testing. Allele origin: germline. Observed: 1 variant allele.

Literature cited by the submitters: PubMed 34813128 (cited by Labcorp Genetics (formerly Invitae), Labcorp).

NM_002109.6(HARS1):c.257G>A (p.Arg86His)

Gene: HARS1 (histidyl-tRNA synthetase 1; minus strand). Cytogenetic location: 5q31.3.
Variant type: single nucleotide variant.
Coding change: c.257G>A on transcript NM_002109.6 (MANE Select); coding-DNA position 257, G replaced by A.
Protein change: p.Arg86His; replaces arginine 86 with histidine.
Molecular consequence: missense variant. On other transcripts: intron variant (3).
Genome position (GRCh38, 1-based): chr5:140,683,143, C>T on the plus strand (G>A on the coding strand, the complement: HARS1 is on the minus strand). VCF-style: chr5-140683143-C-T. GRCh37 (hg19) VCF-style: chr5-140062728-C-T.
Other names: c.257G>A, p.Arg86His (NM_001258041.3, NM_001289092.2); c.170G>A, p.Arg57His (NM_001289094.2); c.181-5128G>A (NM_001289093.2); c.181-3260G>A (NM_001258042.3, NM_001258040.3); short protein forms R57H, R86H.
Identifiers: ClinVar variation 1163261 (VCV001163261.20), dbSNP rs555242163, ClinGen allele CA3444153.